The following is an entry in ClinVar:

NM_001379659.1(ZNF142):c.5521C>A (p.Arg1841Ser)

Gene: ZNF142 (zinc finger protein 142; minus strand). Cytogenetic location: 2q35.
Variant type: single nucleotide variant.
Coding change: c.5521C>A on transcript NM_001379659.1 (MANE Select); coding-DNA position 5521, C replaced by A.
Protein change: p.Arg1841Ser; replaces arginine 1841 with serine.
Molecular consequence: missense variant.
Genome position (GRCh38, 1-based): chr2:218,638,482, G>T on the plus strand (C>A on the coding strand, the complement: ZNF142 is on the minus strand). VCF-style: chr2-218638482-G-T. GRCh37 (hg19) VCF-style: chr2-219503205-G-T.
Other names: c.4921C>A, p.Arg1641Ser (NM_001105537.5, NM_001366291.3, NM_001379662.1); c.4432C>A, p.Arg1478Ser (NM_001366287.3, NM_001366288.3, NM_001366289.3); c.5521C>A, p.Arg1841Ser (NM_001366290.3, NM_001379660.1, NM_001379661.1); short protein forms R1478S, R1641S, R1841S.
Identifiers: ClinVar variation 3899692 (VCV003899692.1).

ClinVar aggregate classification (germline): Uncertain significance (1 of 4 stars; one submission).

gnomAD v4.1: 72 of 1,600,744 alleles (0.0045%); highest among the groups gnomAD compares: Middle Eastern, 0.05%; 1 homozygote.

Submission:

GeneDx
Classification: Uncertain significance. Last evaluated: 2024-11-17. Review status: criteria provided, single submitter. Criteria: GeneDx Variant Classification Process June 2021. Collection method: clinical testing. Allele origin: germline. Affected: yes.
Comment: In silico analysis supports that this missense variant has a deleterious effect on protein structure/function; Has not been previously published as pathogenic or benign to our knowledge